The following is an entry in ClinVar:

ClinVar aggregate classification (germline): Uncertain significance (1 of 4 stars; one submission).

Submission:

GeneDx
Classification: Uncertain significance. Last evaluated: 2026-04-12. Review status: criteria provided, single submitter. Criteria: GeneDx Variant Classification Process June 2021. Collection method: clinical testing. Allele origin: germline.
Comment: Not observed at significant frequency in large population cohorts (gnomAD); In silico analysis suggests that this missense variant does not alter protein structure/function; Has not been previously published as pathogenic or benign to our knowledge

NM_012309.5(SHANK2):c.4288T>C (p.Ser1430Pro)

Gene: SHANK2 (SH3 and multiple ankyrin repeat domains 2; minus strand). Cytogenetic location: 11q13.3.
Variant type: single nucleotide variant.
Coding change: c.4288T>C on transcript NM_012309.5 (MANE Select); coding-DNA position 4288, T replaced by C.
Protein change: p.Ser1430Pro; replaces serine 1430 with proline.
Molecular consequence: missense variant.
Genome position (GRCh38, 1-based): chr11:70,486,005, A>G on the plus strand (T>C on the coding strand, the complement: SHANK2 is on the minus strand). VCF-style: chr11-70486005-A-G. GRCh37 (hg19) VCF-style: chr11-70332110-A-G.
Other names: c.3151T>C, p.Ser1051Pro (NM_001379226.1); c.4408T>C, p.Ser1470Pro (NM_001441024.1); c.4237T>C, p.Ser1413Pro (NM_001441025.1, NM_001441026.1, NM_001441027.1 and 8 more transcripts); c.4210T>C, p.Ser1404Pro (NM_001441035.1, NM_001441036.1, NM_001441037.1); c.4165T>C, p.Ser1389Pro (NM_001441038.1); c.3121T>C, p.Ser1041Pro (NM_001441040.1); c.3073T>C, p.Ser1025Pro (NM_001441041.1); c.2515T>C, p.Ser839Pro (NM_001441042.1); and 6 more; short protein forms S1025P, S1041P, S1051P, S1389P, S1404P, S1413P, S1430P, S1470P.
Identifiers: ClinVar variation 5036953 (VCV005036953.1).